The following is an entry in ClinVar:

NM_020461.4(TUBGCP6):c.1954C>A (p.Arg652Ser)

Gene: TUBGCP6 (tubulin gamma complex component 6; minus strand). Cytogenetic location: 22q13.33.
Variant type: single nucleotide variant.
Coding change: c.1954C>A on transcript NM_020461.4 (MANE Select); coding-DNA position 1954, C replaced by A.
Protein change: p.Arg652Ser; replaces arginine 652 with serine.
Molecular consequence: missense variant.
Genome position (GRCh38, 1-based): chr22:50,225,823, G>T on the plus strand (C>A on the coding strand, the complement: TUBGCP6 is on the minus strand). VCF-style: chr22-50225823-G-T. GRCh37 (hg19) VCF-style: chr22-50664252-G-T.
Other names: short protein forms R652S.
Identifiers: ClinVar variation 1046042 (VCV001046042.6), dbSNP rs181249457, ClinGen allele CA412104876.

ClinVar aggregate classification (germline): Uncertain significance (1 of 4 stars; one submission).

Allele frequency attached by ClinVar (database versions not stated): TOPMed 0.00002.
gnomAD v4.1: 7 of 1,613,268 alleles (0.00043%); highest among the groups gnomAD compares: Admixed American, 0.0067%; no homozygotes.

Submission:

Labcorp Genetics (formerly Invitae), Labcorp
Classification: Uncertain significance. Last evaluated: 2022-06-24. Review status: criteria provided, single submitter. Criteria: Invitae Variant Classification Sherloc (09022015). Collection method: clinical testing. Allele origin: germline.
Comment: This sequence change replaces arginine, which is basic and polar, with serine, which is neutral and polar, at codon 652 of the TUBGCP6 protein (p.Arg652Ser). This variant is present in population databases (no rsID available, gnomAD 0.01%). This variant has not been reported in the literature in individuals affected with TUBGCP6-related conditions. ClinVar contains an entry for this variant (Variation ID: 1046042). Algorithms developed to predict the effect of missense changes on protein structure and function are either unavailable or do not agree on the potential impact of this missense change (SIFT: "Tolerated"; PolyPhen-2: "Possibly Damaging"; Align-GVGD: "Class C0"). In summary, the available evidence is currently insufficient to determine the role of this variant in disease. Therefore, it has been classified as a Variant of Uncertain Significance.